The following is an entry in ClinVar:

ClinVar aggregate classification (germline): Uncertain significance. Review status: criteria provided, multiple submitters, no conflicts (2 of 4 stars). 2 submissions from 2 submitters: Uncertain significance (2). Last evaluated 2025-12-01.

Conditions:
Idiopathic generalized epilepsy. Also called: EIG; Generalised epilepsy. Identifiers: MedGen C0270850, MONDO:0005579, OMIM 600669.

Allele frequency attached by ClinVar (database versions not stated): TOPMed below 0.00001; ExAC 0.00001; gnomAD 0.00001; gnomAD exomes 0.00001; 1000 Genomes Project 30x 0.00016; 1000 Genomes Project 0.00020.
gnomAD v4.1: 10 of 1,614,090 alleles (0.00062%); highest among the groups gnomAD compares: African/African-American, 0.0013%; no homozygotes.

Submissions (2):

CeGaT Center for Human Genetics Tuebingen
Classification: Uncertain significance. Last evaluated: 2025-12-01. Review status: criteria provided, single submitter. Criteria: CeGaT Center For Human Genetics Tuebingen Variant Classification Criteria Version 2. Collection method: clinical testing. Allele origin: germline. Affected: yes. Observed: 2 variant alleles.

Labcorp Genetics (formerly Invitae), Labcorp
Classification: Uncertain significance for Idiopathic generalized epilepsy. Last evaluated: 2024-10-05. Review status: criteria provided, single submitter. Criteria: Invitae Variant Classification Sherloc (09022015). Collection method: clinical testing. Allele origin: germline.
Comment: This sequence change replaces serine, which is neutral and polar, with leucine, which is neutral and non-polar, at codon 47 of the RBFOX1 protein (p.Ser47Leu). This variant is present in population databases (rs527782263, gnomAD 0.007%). This variant has not been reported in the literature in individuals affected with RBFOX1-related conditions. ClinVar contains an entry for this variant (Variation ID: 1372287). Invitae Evidence Modeling of protein sequence and biophysical properties (such as structural, functional, and spatial information, amino acid conservation, physicochemical variation, residue mobility, and thermodynamic stability) indicates that this missense variant is not expected to disrupt RBFOX1 protein function with a negative predictive value of 80%. In summary, the available evidence is currently insufficient to determine the role of this variant in disease. Therefore, it has been classified as a Variant of Uncertain Significance.

NM_018723.4(RBFOX1):c.80C>T (p.Ser27Leu)

Gene: RBFOX1 (RNA binding fox-1 homolog 1; plus strand). Cytogenetic location: 16p13.3.
Variant type: single nucleotide variant.
Coding change: c.80C>T on transcript NM_018723.4 (MANE Select); coding-DNA position 80, C replaced by T.
Protein change: p.Ser27Leu; replaces serine 27 with leucine.
Molecular consequence: missense variant.
Genome position (GRCh38, 1-based): chr16:7,518,199, C>T. VCF-style: chr16-7518199-C-T. GRCh37 (hg19) VCF-style: chr16-7568201-C-T.
Other names: c.80C>T, p.Ser27Leu (NM_001142333.2, NM_001142334.2, NM_001364800.2); c.209C>T, p.Ser70Leu (NM_001308117.1); c.140C>T, p.Ser47Leu (NM_145891.3, NM_145892.3, NM_145893.3); short protein forms S27L, S47L, S70L.
Identifiers: ClinVar variation 1372287 (VCV001372287.10), dbSNP rs527782263, ClinGen allele CA7891307.